The following is an entry in ClinVar:

ClinVar aggregate classification (germline): Benign. Review status: criteria provided, single submitter (1 of 4 stars). 2 submissions from 2 submitters: Benign (1). 1 of the submissions does not count toward it. Last evaluated 2026-01-03.

Conditions:
SLC38A8-related disorder. Also called: SLC38A8-related condition.

Allele frequency attached by ClinVar (database versions not stated): TOPMed 0.00021.
gnomAD v4.1: 124 of 1,610,136 alleles (0.0077%); highest among the groups gnomAD compares: Admixed American, 0.21%; 1 homozygote.

Submissions (2):

Labcorp Genetics (formerly Invitae), Labcorp
Classification: Benign. Last evaluated: 2026-01-03. Review status: criteria provided, single submitter. Criteria: Invitae Variant Classification Sherloc (09022015). Collection method: clinical testing. Allele origin: germline.

PreventionGenetics, part of Exact Sciences
Classification: Likely benign for SLC38A8-related condition. Last evaluated: 2019-03-22. Review status: no assertion criteria provided. Collection method: clinical testing. Allele origin: germline. Not counted in ClinVar's aggregate classification.
Comment: This variant is classified as likely benign based on ACMG/AMP sequence variant interpretation guidelines (Richards et al. 2015 PMID: 25741868, with internal and published modifications).

NM_001080442.3(SLC38A8):c.192C>A (p.Val64=)

Gene: SLC38A8 (solute carrier family 38 member 8; minus strand). Cytogenetic location: 16q23.3.
Variant type: single nucleotide variant.
Coding change: c.192C>A on transcript NM_001080442.3 (MANE Select); coding-DNA position 192, C replaced by A.
Protein change: p.Val64=; no amino-acid change (valine 64 retained).
Molecular consequence: synonymous variant.
Genome position (GRCh38, 1-based): chr16:84,036,898, G>T on the plus strand (C>A on the coding strand, the complement: SLC38A8 is on the minus strand). VCF-style: chr16-84036898-G-T. GRCh37 (hg19) VCF-style: chr16-84070503-G-T.
Identifiers: ClinVar variation 737504 (VCV000737504.8), dbSNP rs755211190, ClinGen allele CA8200442.